The following is an entry in ClinVar:

ClinVar aggregate classification (germline): Uncertain significance (1 of 4 stars; one submission).

Submission:

GeneDx
Classification: Uncertain significance. Last evaluated: 2024-04-22. Review status: criteria provided, single submitter. Criteria: GeneDx Variant Classification Process June 2021. Collection method: clinical testing. Allele origin: germline. Affected: yes.
Comment: Not observed in large population cohorts (gnomAD); In silico analysis supports that this missense variant does not alter protein structure/function; Has not been previously published as pathogenic or benign to our knowledge

NM_004595.5(SMS):c.85A>G (p.Ile29Val)

Gene: SMS (spermine synthase; plus strand). Cytogenetic location: Xp22.11.
Variant type: single nucleotide variant.
Coding change: c.85A>G on transcript NM_004595.5 (MANE Select); coding-DNA position 85, A replaced by G.
Protein change: p.Ile29Val; replaces isoleucine 29 with valine.
Molecular consequence: missense variant.
Genome position (GRCh38, 1-based): chrX:21,967,231, A>G. VCF-style: chrX-21967231-A-G. GRCh37 (hg19) VCF-style: chrX-21985349-A-G.
Other names: c.85A>G, p.Ile29Val (NM_001258423.2); short protein forms I29V.
Identifiers: ClinVar variation 3368863 (VCV003368863.1).
Genomic context (GRCh38, chrX:21,967,231, plus strand): 5'-TTGCCTTCTTCCCCTTGTTCTCCAGCTGATGGTGAGACCATTCTAAAAGGCCTCCAGTCC[A>G]TTTTCCAGGAGCAGGGGATGGCGGAGTCGGTGCACACCTGGCAGGACCATGGCTATTTAG-3'
Protein context (NP_004586.2, residues 19-39): GETILKGLQS[Ile29Val]FQEQGMAESV